The following is an entry in ClinVar:

NM_000786.4(CYP51A1):c.1291C>T (p.Arg431Cys)

Gene: CYP51A1 (cytochrome P450 family 51 subfamily A member 1; minus strand). Cytogenetic location: 7q21.2.
Variant type: single nucleotide variant.
Coding change: c.1291C>T on transcript NM_000786.4 (MANE Select); coding-DNA position 1291, C replaced by T.
Protein change: p.Arg431Cys; replaces arginine 431 with cysteine.
Molecular consequence: missense variant.
Genome position (GRCh38, 1-based): chr7:92,117,104, G>A on the plus strand (C>T on the coding strand, the complement: CYP51A1 is on the minus strand). VCF-style: chr7-92117104-G-A. GRCh37 (hg19) VCF-style: chr7-91746418-G-A.
Other names: c.976C>T, p.Arg326Cys (NM_001146152.2); short protein forms R326C, R431C.
Identifiers: ClinVar variation 1676394 (VCV001676394.3), dbSNP rs757428909, ClinGen allele CA4338372.
Genomic context (GRCh38, chr7:92,117,104, plus strand): 5'-CAGCTCCAAATGGCACATAGGCAAACTTTTCCCCTGATGCTGGGTTATCCTGTAAGTAGC[G>A]ATCAGGATTAAAGTCCAGGCGTTCTACCCATGAGTCTTTAAGTCTTTGATTGACAGTGGG-3'
Protein context (NP_000777.1, residues 421-441): WVERLDFNPD[Arg431Cys]YLQDNPASGE

ClinVar aggregate classification (germline): Uncertain significance. Review status: criteria provided, multiple submitters, no conflicts (2 of 4 stars). 2 submissions from 2 submitters: Uncertain significance (2). Last evaluated 2025-04-17.

gnomAD v4.1: 22 of 1,613,852 alleles (0.0014%); highest among the groups gnomAD compares: African/African-American, 0.0053%; no homozygotes.

Submissions (2):

Labcorp Genetics (formerly Invitae), Labcorp
Classification: Uncertain significance. Last evaluated: 2025-04-17. Review status: criteria provided, single submitter. Criteria: Invitae Variant Classification Sherloc (09022015). Collection method: clinical testing. Allele origin: germline.
Comment: This sequence change replaces arginine, which is basic and polar, with cysteine, which is neutral and slightly polar, at codon 431 of the CYP51A1 protein (p.Arg431Cys). This variant is present in population databases (rs757428909, gnomAD 0.005%). This variant has not been reported in the literature in individuals affected with CYP51A1-related conditions. ClinVar contains an entry for this variant (Variation ID: 1676394). An algorithm developed to predict the effect of missense changes on protein structure and function (PolyPhen-2) suggests that this variant is likely to be tolerated. In summary, the available evidence is currently insufficient to determine the role of this variant in disease. Therefore, it has been classified as a Variant of Uncertain Significance.

GeneDx
Classification: Uncertain significance. Last evaluated: 2022-03-02. Review status: criteria provided, single submitter. Criteria: GeneDx Variant Classification Process June 2021. Collection method: clinical testing. Allele origin: germline. Affected: yes.
Comment: In silico analysis supports that this missense variant has a deleterious effect on protein structure/function; Has not been previously published as pathogenic or benign to our knowledge; In silico analysis, which includes splice predictors and evolutionary conservation, suggests this variant may impact gene splicing. In the absence of RNA/functional studies, the actual effect of this sequence change is unknown.